The following is an entry in ClinVar:

ClinVar aggregate classification (germline): Uncertain significance (1 of 4 stars; one submission).

gnomAD v4.1: 1 of 1,613,596 alleles (0.000062%); highest among the groups gnomAD compares: Non-Finnish European, 0.000085%; no homozygotes.

Submission:

GeneDx
Classification: Uncertain significance. Last evaluated: 2025-05-23. Review status: criteria provided, single submitter. Criteria: GeneDx Variant Classification Process June 2021. Collection method: clinical testing. Allele origin: germline.
Comment: Not observed at significant frequency in large population cohorts (gnomAD); In silico analysis suggests that this missense variant does not alter protein structure/function; Has not been previously published as pathogenic or benign to our knowledge

NM_000081.4(LYST):c.5362C>T (p.His1788Tyr)

Gene: LYST (lysosomal trafficking regulator; minus strand). Cytogenetic location: 1q42.3.
Variant type: single nucleotide variant.
Coding change: c.5362C>T on transcript NM_000081.4 (MANE Select); coding-DNA position 5362, C replaced by T.
Protein change: p.His1788Tyr; replaces histidine 1788 with tyrosine.
Molecular consequence: missense variant.
Genome position (GRCh38, 1-based): chr1:235,777,161, G>A on the plus strand (C>T on the coding strand, the complement: LYST is on the minus strand). VCF-style: chr1-235777161-G-A. GRCh37 (hg19) VCF-style: chr1-235940461-G-A.
Other names: c.5362C>T, p.His1788Tyr (NM_001301365.1); short protein forms H1788Y.
Identifiers: ClinVar variation 3375864 (VCV003375864.2).